The following is an entry in ClinVar:

NM_001083116.3(PRF1):c.1433T>G (p.Leu478Arg)

Gene: PRF1 (perforin 1; minus strand). Cytogenetic location: 10q22.1.
Variant type: single nucleotide variant.
Coding change: c.1433T>G on transcript NM_001083116.3 (MANE Select); coding-DNA position 1433, T replaced by G.
Protein change: p.Leu478Arg; replaces leucine 478 with arginine.
Molecular consequence: missense variant.
Genome position (GRCh38, 1-based): chr10:70,598,288, A>C on the plus strand (T>G on the coding strand, the complement: PRF1 is on the minus strand). VCF-style: chr10-70598288-A-C. GRCh37 (hg19) VCF-style: chr10-72358044-A-C.
Other names: c.1433T>G, p.Leu478Arg (NM_005041.6); short protein forms L478R.
Identifiers: ClinVar variation 4277789 (VCV004277789.2).

ClinVar aggregate classification (germline): Conflicting classifications of pathogenicity. Review status: criteria provided, conflicting classifications (1 of 4 stars). 2 submissions from 2 submitters: Likely pathogenic (1); Uncertain significance (1). Last evaluated 2025-09-10.

Conditions:
Familial hemophagocytic lymphohistiocytosis 2 (FHL2). Also called: PRF1-Related Familial Hemophagocytic Lymphohistiocytosis (PRF1-fHLH). Identifiers: Orphanet 540, MedGen C1863727, MONDO:0011337, OMIM 603553.

Submissions (2):

Genomic Medicine Center of Excellence, King Faisal Specialist Hospital and Research Centre
Classification: Likely pathogenic for Familial hemophagocytic lymphohistiocytosis 2. Last evaluated: 2025-09-10. Review status: criteria provided, single submitter. Criteria: ACMG Guidelines, 2015. Collection method: clinical testing. Allele origin: germline.

GeneDx
Classification: Uncertain significance. Last evaluated: 2025-06-04. Review status: criteria provided, single submitter. Criteria: GeneDx Variant Classification Process June 2021. Collection method: clinical testing. Allele origin: germline. Affected: yes.
Comment: In silico analysis supports that this missense variant has a deleterious effect on protein structure/function; Not observed at significant frequency in large population cohorts (gnomAD); This variant is associated with the following publications: (PMID: 26684649)